The following is an entry in ClinVar:

ClinVar aggregate classification (germline): Likely benign (1 of 4 stars; one submission).

Allele frequency attached by ClinVar (database versions not stated): TOPMed 0.00002; gnomAD exomes 0.00004; gnomAD 0.00005; ExAC 0.00006; ESP Exome Variant Server 0.00012.
gnomAD v4.1: 66 of 1,612,806 alleles (0.0041%); highest among the groups gnomAD compares: Non-Finnish European, 0.0052%; no homozygotes.

Submission:

CeGaT Center for Human Genetics Tuebingen
Classification: Likely benign. Last evaluated: 2022-10-01. Review status: criteria provided, single submitter. Criteria: CeGaT Center For Human Genetics Tuebingen Variant Classification Criteria Version 2. Collection method: clinical testing. Allele origin: germline. Affected: yes. Observed: 1 variant allele.
Comment: VARS1: BP4, BP7

NM_006295.3(VARS1):c.1878G>A (p.Pro626=)

Gene: VARS1 (valyl-tRNA synthetase 1; minus strand). Cytogenetic location: 6p21.33.
Variant type: single nucleotide variant.
Coding change: c.1878G>A on transcript NM_006295.3 (MANE Select); coding-DNA position 1878, G replaced by A.
Protein change: p.Pro626=; no amino-acid change (proline 626 retained).
Molecular consequence: synonymous variant.
Genome position (GRCh38, 1-based): chr6:31,782,730, C>T on the plus strand (G>A on the coding strand, the complement: VARS1 is on the minus strand). VCF-style: chr6-31782730-C-T. GRCh37 (hg19) VCF-style: chr6-31750507-C-T.
Identifiers: ClinVar variation 2656425 (VCV002656425.24), dbSNP rs144816163, ClinGen allele CA3723154.